The following is an entry in ClinVar:

ClinVar aggregate classification (germline): Likely pathogenic (1 of 4 stars; one submission).

Conditions:
Alagille syndrome due to a JAG1 point mutation. Also called: Alagille Syndrome 1; JAG1-Related Alagille Syndrome; HEPATIC DUCTULAR HYPOPLASIA, SYNDROMATIC. Identifiers: Orphanet 261619, Orphanet 52, MedGen C1956125, MONDO:0016862, OMIM 118450.

Submission:

Labcorp Genetics (formerly Invitae), Labcorp
Classification: Likely pathogenic for Alagille syndrome due to a JAG1 point mutation. Last evaluated: 2025-10-09. Review status: criteria provided, single submitter. Criteria: Invitae Variant Classification Sherloc (09022015). Collection method: clinical testing. Allele origin: germline.
Comment: This sequence change affects an acceptor splice site in intron 10 of the JAG1 gene. It is expected to disrupt RNA splicing. Variants that disrupt the donor or acceptor splice site typically lead to a loss of protein function (PMID: 16199547), and loss-of-function variants in JAG1 are known to be pathogenic (PMID: 11180599). This variant is not present in population databases (gnomAD no frequency). This variant has not been reported in the literature in individuals affected with JAG1-related conditions. Algorithms developed to predict the effect of sequence changes on RNA splicing suggest that this variant may disrupt the consensus splice site. In summary, the currently available evidence indicates that the variant is pathogenic, but additional data are needed to prove that conclusively. Therefore, this variant has been classified as Likely Pathogenic.

Literature cited by the submitters: PubMed 16199547; PubMed 11180599.

NM_000214.3(JAG1):c.1349-2A>C

Gene: JAG1 (jagged canonical Notch ligand 1; minus strand). Cytogenetic location: 20p12.2.
Variant type: single nucleotide variant.
Coding change: c.1349-2A>C on transcript NM_000214.3 (MANE Select); the canonical splice acceptor site of the intron before coding-DNA position 1349, A replaced by C.
Molecular consequence: splice acceptor variant.
Genome position (GRCh38, 1-based): chr20:10,649,109, T>G on the plus strand (A>C on the coding strand, the complement: JAG1 is on the minus strand). VCF-style: chr20-10649109-T-G. GRCh37 (hg19) VCF-style: chr20-10629757-T-G.
Identifiers: ClinVar variation 4728762 (VCV004728762.1).